The following is an entry in ClinVar:

ClinVar aggregate classification (germline): Uncertain significance (1 of 4 stars; one submission).

Conditions:
HDAC4-related disorder. Also called: HDAC4-related condition.

Submission:

PreventionGenetics, part of Exact Sciences
Classification: Uncertain significance for HDAC4-related condition. Last evaluated: 2023-06-05. Review status: criteria provided, single submitter. Criteria: ACMG Guidelines, 2015. Collection method: clinical testing. Allele origin: germline.
Comment: The HDAC4 c.1783C>G variant is predicted to result in the amino acid substitution p.Leu595Val. To our knowledge, this variant has not been reported in the literature or in a large population database, indicating this variant is rare. At this time, the clinical significance of this variant is uncertain due to the absence of conclusive functional and genetic evidence.

NM_001378414.1(HDAC4):c.1798C>G (p.Leu600Val)

Gene: HDAC4 (histone deacetylase 4; minus strand). Cytogenetic location: 2q37.3.
Variant type: single nucleotide variant.
Coding change: c.1798C>G on transcript NM_001378414.1 (MANE Select); coding-DNA position 1798, C replaced by G.
Protein change: p.Leu600Val; replaces leucine 600 with valine.
Molecular consequence: missense variant.
Genome position (GRCh38, 1-based): chr2:239,111,706, G>C on the plus strand (C>G on the coding strand, the complement: HDAC4 is on the minus strand). VCF-style: chr2-239111706-G-C. GRCh37 (hg19) VCF-style: chr2-240033402-G-C.
Other names: c.1798C>G, p.Leu600Val (NM_001378415.1); c.1783C>G, p.Leu595Val (NM_001378416.1, NM_001378417.1, NM_006037.4); short protein forms L595V, L600V.
Identifiers: ClinVar variation 2631892 (VCV002631892.1), dbSNP rs2038685649, ClinGen allele CA351268508.